The following is an entry in ClinVar:

NC_000023.10:g.(24523416_24537049)_(24537128_24544314)del

Gene: PDK3 (pyruvate dehydrogenase kinase 3; plus strand). Cytogenetic location: Xp22.11.
Variant type: Deletion.
Identifiers: ClinVar variation 3768305 (VCV003768305.1).

ClinVar aggregate classification (germline): Uncertain significance (1 of 4 stars; one submission).

Submission:

Women's Health and Genetics/Laboratory Corporation of America, LabCorp
Classification: Uncertain significance. Last evaluated: 2024-12-03. Review status: criteria provided, single submitter. Criteria: LabCorp Variant Classification Summary - May 2015. Collection method: clinical testing. Allele origin: germline.
Comment: Variant summary: The variant involves the deletion of exon 6 in the PDK3 gene. A presumed nomenclature of c.(595+1_596-1)_(673+1_674-1)del has been designated for the purposes of this classification. This Copy Number Variant (CNV) is predicted to result in an in-frame deletion within this gene. Current evidence is not sufficient to establish loss of function as a mechanism for disease. The variant was absent in 16116 control chromosomes. The available data on variant occurrences in the general population are insufficient to allow any conclusion about variant significance. To our knowledge, no occurrence of c.(595+1_596-1)_(673+1_674-1)del in individuals affected with Charcot-Marie-Tooth disease X-linked dominant 6 and no experimental evidence demonstrating its impact on protein function have been reported. ClinVar contains an entry for this variant (Variation ID: 3245580). Based on the evidence outlined above, the variant was classified as uncertain significance.